The following is an entry in ClinVar:

ClinVar aggregate classification (germline): Uncertain significance (1 of 4 stars; one submission).

Submission:

Labcorp Genetics (formerly Invitae), Labcorp
Classification: Uncertain significance. Last evaluated: 2025-03-17. Review status: criteria provided, single submitter. Criteria: Invitae Variant Classification Sherloc (09022015). Collection method: clinical testing. Allele origin: germline.
Comment: This sequence change replaces glycine, which is neutral and non-polar, with valine, which is neutral and non-polar, at codon 1141 of the ARHGEF18 protein (p.Gly1141Val). This variant is present in population databases (no rsID available, gnomAD 0.0008%). This variant has not been reported in the literature in individuals affected with ARHGEF18-related conditions. ClinVar contains an entry for this variant (Variation ID: 1014032). An algorithm developed to predict the effect of missense changes on protein structure and function (PolyPhen-2) suggests that this variant is likely to be tolerated. In summary, the available evidence is currently insufficient to determine the role of this variant in disease. Therefore, it has been classified as a Variant of Uncertain Significance.

NM_001367823.1(ARHGEF18):c.3986_3987delinsTT (p.Gly1329Val)

Gene: ARHGEF18 (Rho/Rac guanine nucleotide exchange factor 18; plus strand). Cytogenetic location: 19p13.2.
Variant type: Indel.
Coding change: c.3986_3987delinsTT on transcript NM_001367823.1 (MANE Select); coding-DNA positions 3986 to 3987, GC replaced by TT.
Protein change: p.Gly1329Val; replaces glycine 1329 with valine.
Molecular consequence: missense variant.
Genome position (GRCh38, 1-based): chr19:7,470,198-7,470,199, GC replaced by TT. VCF-style: chr19-7470198-GC-TT. GRCh37 (hg19) VCF-style: chr19-7535084-GC-TT.
Other names: c.3260_3261delinsTT, p.Gly1087Val (NM_001130955.2); c.2948_2949delinsTT, p.Gly983Val (NM_001367824.1, NM_015318.4); short protein forms G1087V, G1329V, G983V.
Identifiers: ClinVar variation 1014032 (VCV001014032.8), dbSNP rs1976939932, ClinGen allele CA2320933727.